The following is an entry in ClinVar:

ClinVar aggregate classification (germline): Conflicting classifications of pathogenicity. Review status: criteria provided, conflicting classifications (1 of 4 stars). 7 submissions from 7 submitters: Uncertain significance (6); Likely benign (1). Last evaluated 2026-06-01.

Conditions:
Cardiovascular phenotype. Identifiers: MedGen CN230736.
Catecholaminergic polymorphic ventricular tachycardia 1. Also called: VENTRICULAR TACHYCARDIA, CATECHOLAMINERGIC POLYMORPHIC, 1, WITH OR WITHOUT ATRIAL DYSFUNCTION AND/OR DILATED CARDIOMYOPATHY; RYR2-Related Catecholaminergic Polymorphic Ventricular Tachycardia; VENTRICULAR TACHYCARDIA, STRESS-INDUCED POLYMORPHIC 1. Identifiers: Orphanet 3286, MedGen C1631597, MONDO:0011484, OMIM 604772.
Ventricular arrhythmias due to cardiac ryanodine receptor calcium release deficiency syndrome. Also called: Autosomal dominant cardiac arrhythmia (Kuhn). Identifiers: MedGen C5542154, MONDO:0020745, OMIM 115000.
Arrhythmogenic right ventricular dysplasia 2. Identifiers: MedGen C1832931.
Cardiomyopathy (CMYO). Also called: Cardiomyopathies. Identifiers: Orphanet 167848, MedGen C0878544, MONDO:0004994, HP:0001638. Inheritance: Various modes of inheritance.

Allele frequency attached by ClinVar (database versions not stated): ExAC 0.00001; gnomAD exomes 0.00001 and 0.00002; gnomAD 0.00007 and 0.00008; TOPMed 0.00008; 1000 Genomes Project 30x 0.00016; 1000 Genomes Project 0.00020.
gnomAD v4.1: 32 of 1,611,352 alleles (0.002%); highest among the groups gnomAD compares: African/African-American, 0.025%; no homozygotes.

Submissions (7):

Women's Health and Genetics/Laboratory Corporation of America, LabCorp
Classification: Uncertain significance. Last evaluated: 2026-06-01. Review status: criteria provided, single submitter. Criteria: LabCorp Variant Classification Summary - May 2015. Collection method: clinical testing. Allele origin: germline.
Comment: Variant summary: RYR2 c.1318G>A (p.Ala440Thr) results in a non-conservative amino acid change in the encoded protein sequence. Algorithms developed to predict the effect of missense changes on protein structure and function are either unavailable or do not agree on the potential impact of this missense change. The variant allele was found at a frequency of 1.6e-05 in 246604 control chromosomes. The available data on variant occurrences in the general population are insufficient to allow any conclusion about variant significance. To our knowledge, no occurrence of c.1318G>A in individuals affected with RYR2-related conditions and no experimental evidence demonstrating its impact on protein function have been reported. ClinVar contains an entry for this variant (Variation ID: 180485). Based on the evidence outlined above, the variant was classified as uncertain significance.

Labcorp Genetics (formerly Invitae), Labcorp
Classification: Uncertain significance for Catecholaminergic polymorphic ventricular tachycardia 1. Last evaluated: 2025-12-21. Review status: criteria provided, single submitter. Criteria: Invitae Variant Classification Sherloc (09022015). Collection method: clinical testing. Allele origin: germline.
Comment: This sequence change replaces alanine, which is neutral and non-polar, with threonine, which is neutral and polar, at codon 440 of the RYR2 protein (p.Ala440Thr). This variant is present in population databases (rs371878264, gnomAD 0.01%). This variant has not been reported in the literature in individuals affected with RYR2-related conditions. ClinVar contains an entry for this variant (Variation ID: 180485). Invitae Evidence Modeling of protein sequence and biophysical properties (such as structural, functional, and spatial information, amino acid conservation, physicochemical variation, residue mobility, and thermodynamic stability) indicates that this missense variant is not expected to disrupt RYR2 protein function with a negative predictive value of 95%. In summary, the available evidence is currently insufficient to determine the role of this variant in disease. Therefore, it has been classified as a Variant of Uncertain Significance.

GeneDx
Classification: Uncertain significance. Last evaluated: 2024-07-25. Review status: criteria provided, single submitter. Criteria: GeneDx Variant Classification Process June 2021. Collection method: clinical testing. Allele origin: germline. Affected: yes.
Comment: Not observed at significant frequency in large population cohorts (gnomAD); Located in one of the three hot-spot regions of the RYR2 gene, where the majority of pathogenic missense variants occur (PMID: 19926015); In silico analysis indicates that this missense variant does not alter protein structure/function; This variant is associated with the following publications: (PMID: 19926015, 28404607)

Ambry Genetics
Classification: Likely benign for Cardiovascular phenotype. Last evaluated: 2024-06-20. Review status: criteria provided, single submitter. Criteria: Ambry Variant Classification Scheme 2023. Collection method: clinical testing. Allele origin: germline.

Color Diagnostics, LLC DBA Color Health
Classification: Uncertain significance for Cardiomyopathy. Last evaluated: 2024-03-13. Review status: criteria provided, single submitter. Criteria: ACMG Guidelines, 2015. Collection method: clinical testing. Allele origin: germline.
Comment: This missense variant replaces alanine with threonine at codon 440 of the RYR2 protein. Computational prediction suggests that this variant may not impact protein structure and function. To our knowledge, functional studies have not been reported for this variant. This variant has not been reported in individuals affected with RYR2-related disorders in the literature. This variant has been identified in 5/278008 chromosomes in the general population by the Genome Aggregation Database (gnomAD). The available evidence is insufficient to determine the role of this variant in disease conclusively. Therefore, this variant is classified as a Variant of Uncertain Significance.

Blueprint Genetics
Classification: Uncertain significance. Last evaluated: 2023-07-27. Review status: criteria provided, single submitter. Criteria: ACMG Guidelines, 2015. Collection method: clinical testing. Allele origin: germline.

Fulgent Genetics
Classification: Uncertain significance for Ventricular arrhythmias due to cardiac ryanodine receptor calcium release deficiency syndrome; Catecholaminergic polymorphic ventricular tachycardia 1. Last evaluated: 2021-08-17. Review status: criteria provided, single submitter. Criteria: ACMG Guidelines, 2015. Collection method: clinical testing. Allele origin: unknown.

Literature cited by the submitters: PubMed 28404607 (cited by Ambry Genetics).

NM_001035.3(RYR2):c.1318G>A (p.Ala440Thr)

Gene: RYR2 (ryanodine receptor 2; plus strand). Cytogenetic location: 1q43.
Variant type: single nucleotide variant.
Coding change: c.1318G>A on transcript NM_001035.3 (MANE Select); coding-DNA position 1318, G replaced by A.
Protein change: p.Ala440Thr; replaces alanine 440 with threonine.
Molecular consequence: missense variant.
Genome position (GRCh38, 1-based): chr1:237,454,416, G>A. VCF-style: chr1-237454416-G-A. GRCh37 (hg19) VCF-style: chr1-237617716-G-A.
Other names: c.1318G>A, p.Ala440Thr (LRG_402t1); short protein forms A440T.
Identifiers: ClinVar variation 180485 (VCV000180485.20), dbSNP rs371878264, ClinGen allele CA007818.